The following is an entry in ClinVar:

NM_021625.5(TRPV4):c.1116G>A (p.Ser372=)

Gene: TRPV4 (transient receptor potential cation channel subfamily V member 4; minus strand). Cytogenetic location: 12q24.11.
Variant type: single nucleotide variant.
Coding change: c.1116G>A on transcript NM_021625.5 (MANE Select); coding-DNA position 1116, G replaced by A.
Protein change: p.Ser372=; no amino-acid change (serine 372 retained).
Molecular consequence: synonymous variant.
Genome position (GRCh38, 1-based): chr12:109,798,650, C>T on the plus strand (G>A on the coding strand, the complement: TRPV4 is on the minus strand). VCF-style: chr12-109798650-C-T. GRCh37 (hg19) VCF-style: chr12-110236455-C-T.
Other names: c.975G>A, p.Ser325= (NM_001177433.2, NM_001177428.2); c.1116G>A, p.Ser372= (NM_147204.3); c.1014G>A, p.Ser338= (NM_001177431.2).
Identifiers: ClinVar variation 391774 (VCV000391774.13), dbSNP rs369811541, ClinGen allele CA6780346.

ClinVar aggregate classification (germline): Likely benign. Review status: criteria provided, multiple submitters, no conflicts (2 of 4 stars). 3 submissions from 3 submitters: Likely benign (3). Last evaluated 2025-07-08.

Conditions:
Inborn genetic diseases. Identifiers: MedGen C0950123, MeSH D030342.
Charcot-Marie-Tooth disease axonal type 2C (HMSN2C). Also called: Charcot-Marie-Tooth Disease Type 2, TRPV4-Related (CMT2C); CHARCOT-MARIE-TOOTH DISEASE, AXONAL, AUTOSOMAL DOMINANT, TYPE 2C; Charcot-Marie-Tooth Neuropathy Type 2C. Identifiers: Orphanet 99937, MedGen C1853710, MONDO:0011633, OMIM 606071.

Allele frequency attached by ClinVar (database versions not stated): ESP Exome Variant Server 0.00008; TOPMed 0.00011; ExAC 0.00002; gnomAD exomes 0.00002.
gnomAD v4.1: 27 of 1,612,658 alleles (0.0017%); highest among the groups gnomAD compares: African/African-American, 0.028%; no homozygotes.

Submissions (3):

Labcorp Genetics (formerly Invitae), Labcorp
Classification: Likely benign for Charcot-Marie-Tooth disease axonal type 2C. Last evaluated: 2025-07-08. Review status: criteria provided, single submitter. Criteria: Invitae Variant Classification Sherloc (09022015). Collection method: clinical testing. Allele origin: germline.

Ambry Genetics
Classification: Likely benign for Inborn genetic diseases. Last evaluated: 2019-07-11. Review status: criteria provided, single submitter. Criteria: Ambry Variant Classification Scheme 2023. Collection method: clinical testing. Allele origin: germline.

GeneDx
Classification: Likely benign. Last evaluated: 2017-08-08. Review status: criteria provided, single submitter. Criteria: GeneDx Variant Classification (06012015). Collection method: clinical testing. Allele origin: germline. Affected: yes.
Comment: This variant is considered likely benign or benign based on one or more of the following criteria: it is a conservative change, it occurs at a poorly conserved position in the protein, it is predicted to be benign by multiple in silico algorithms, and/or has population frequency not consistent with disease.